The following is an entry in ClinVar:

NM_001308093.3(GATA4):c.616+9G>A

Gene: GATA4 (GATA binding protein 4). Cytogenetic location: 8p23.1.
Variant type: single nucleotide variant.
Coding change: c.616+9G>A on transcript NM_001308093.3 (MANE Select); 9 bases into the intron after coding-DNA position 616, G replaced by A.
Molecular consequence: intron variant.
Genome position (GRCh38, 1-based): chr8:11,708,937, G>A. VCF-style: chr8-11708937-G-A. GRCh37 (hg19) VCF-style: chr8-11566446-G-A.
Other names: c.-6+8159G>A (NM_001308094.2); c.616+9G>A (NM_002052.5); c.-3+923G>A (NM_001374274.1); c.-3+4633G>A (NM_001374273.1).
Identifiers: ClinVar variation 3057770 (VCV003057770.2), dbSNP rs1186366359, ClinGen allele CA579777279.

ClinVar aggregate classification (germline): Likely benign (0 of 4 stars; one submission).

Conditions:
GATA4-related disorder. Also called: GATA4-related condition. Identifiers: MedGen CN860321.

Allele frequency attached by ClinVar (database versions not stated): TOPMed below 0.00001.
gnomAD v4.1: 5 of 1,524,042 alleles (0.00033%); highest among the groups gnomAD compares: Middle Eastern, 0.023%; no homozygotes.

Submission:

PreventionGenetics, part of Exact Sciences
Classification: Likely benign for GATA4-related condition. Last evaluated: 2019-03-29. Review status: no assertion criteria provided. Collection method: clinical testing. Allele origin: germline.
Comment: This variant is classified as likely benign based on ACMG/AMP sequence variant interpretation guidelines (Richards et al. 2015 PMID: 25741868, with internal and published modifications).